The following is an entry in ClinVar:

ClinVar aggregate classification (germline): Likely benign. Review status: criteria provided, multiple submitters, no conflicts (2 of 4 stars). 2 submissions from 2 submitters: Likely benign (2). Last evaluated 2025-02-25.

Conditions:
Breast-ovarian cancer, familial, susceptibility to, 4. Identifiers: Orphanet 145, MedGen C3280345, MONDO:0013669, OMIM 614291.

Submissions (2):

Myriad Genetics, Inc.
Classification: Likely benign for Breast-ovarian cancer, familial, susceptibility to, 4. Last evaluated: 2025-02-25. Review status: criteria provided, single submitter. Criteria: Myriad Autosomal Dominant, Autosomal Recessive and X-Linked Classification Criteria (2023). Collection method: clinical testing. Allele origin: unknown.
Comment: This variant is considered likely benign. This variant is intronic and is not expected to impact mRNA splicing.

Labcorp Genetics (formerly Invitae), Labcorp
Classification: Likely benign for Breast-ovarian cancer, familial, susceptibility to, 4. Last evaluated: 2022-01-16. Review status: criteria provided, single submitter. Criteria: Invitae Variant Classification Sherloc (09022015). Collection method: clinical testing. Allele origin: germline.

NM_002878.4(RAD51D):c.903+10C>A

Genes: RAD51L3-RFFL (RAD51L3-RFFL readthrough; minus strand), RAD51D (RAD51 paralog D; minus strand). Cytogenetic location: 17q12.
Variant type: single nucleotide variant.
Coding change: c.903+10C>A on transcript NM_002878.4 (MANE Select); 10 bases into the intron after coding-DNA position 903, C replaced by A.
Molecular consequence: intron variant.
Genome position (GRCh38, 1-based): chr17:35,101,191, G>T on the plus strand (C>A on the coding strand, the complement: RAD51D is on the minus strand). VCF-style: chr17-35101191-G-T. GRCh37 (hg19) VCF-style: chr17-33428210-G-T.
Other names: c.567+10C>A (NM_133629.3); c.963+10C>A (NM_001142571.2).
Identifiers: ClinVar variation 1956166 (VCV001956166.6), dbSNP rs1325605461, ClinGen allele CA2580093439.